The following is an entry in ClinVar:

ClinVar aggregate classification (germline): Uncertain significance (1 of 4 stars; one submission).

gnomAD v4.1: 1 of 1,613,794 alleles (0.000062%); highest among the groups gnomAD compares: Non-Finnish European, 0.000085%; no homozygotes.

Submission:

Labcorp Genetics (formerly Invitae), Labcorp
Classification: Uncertain significance. Last evaluated: 2022-07-13. Review status: criteria provided, single submitter. Criteria: Invitae Variant Classification Sherloc (09022015). Collection method: clinical testing. Allele origin: germline.
Comment: This variant is not present in population databases (gnomAD no frequency). Algorithms developed to predict the effect of missense changes on protein structure and function are either unavailable or do not agree on the potential impact of this missense change (SIFT: "Deleterious"; PolyPhen-2: "Probably Damaging"; Align-GVGD: "Class C0"). This variant has not been reported in the literature in individuals affected with PEX3-related conditions. This sequence change replaces leucine, which is neutral and non-polar, with glutamine, which is neutral and polar, at codon 9 of the PEX3 protein (p.Leu9Gln). In summary, the available evidence is currently insufficient to determine the role of this variant in disease. Therefore, it has been classified as a Variant of Uncertain Significance. Algorithms developed to predict the effect of sequence changes on RNA splicing suggest that this variant may create or strengthen a splice site.

NM_003630.3(PEX3):c.26T>A (p.Leu9Gln)

Gene: PEX3 (peroxisomal biogenesis factor 3; plus strand). Cytogenetic location: 6q24.2.
Variant type: single nucleotide variant.
Coding change: c.26T>A on transcript NM_003630.3 (MANE Select); coding-DNA position 26, T replaced by A.
Protein change: p.Leu9Gln; replaces leucine 9 with glutamine.
Molecular consequence: missense variant.
Genome position (GRCh38, 1-based): chr6:143,451,068, T>A. VCF-style: chr6-143451068-T-A. GRCh37 (hg19) VCF-style: chr6-143772205-T-A.
Other names: short protein forms L9Q.
Identifiers: ClinVar variation 1998047 (VCV001998047.2), dbSNP rs778178265, ClinGen allele CA365902114.